The following is an entry in ClinVar:

ClinVar aggregate classification (germline): Benign. Review status: criteria provided, single submitter (1 of 4 stars). 2 submissions from 2 submitters: Benign (1). 1 of the submissions does not count toward it. Last evaluated 2024-11-04.

Conditions:
ASPH-related disorder. Also called: ASPH-related condition.

Allele frequency attached by ClinVar (database versions not stated): TOPMed 0.00101; 1000 Genomes Project 0.00060; gnomAD 0.00092 and 0.00093; ESP Exome Variant Server 0.00138; ExAC 0.00196; 1000 Genomes Project 30x 0.00047; gnomAD exomes 0.00149.
gnomAD v4.1: 2,046 of 1,583,626 alleles (0.13%); highest among the groups gnomAD compares: Non-Finnish European, 0.15%; 4 homozygotes.

Submissions (2):

Labcorp Genetics (formerly Invitae), Labcorp
Classification: Benign. Last evaluated: 2024-11-04. Review status: criteria provided, single submitter. Criteria: Invitae Variant Classification Sherloc (09022015). Collection method: clinical testing. Allele origin: germline.

PreventionGenetics, part of Exact Sciences
Classification: Likely benign for ASPH-related condition. Last evaluated: 2020-05-26. Review status: no assertion criteria provided. Collection method: clinical testing. Allele origin: germline. Not counted in ClinVar's aggregate classification.
Comment: This variant is classified as likely benign based on ACMG/AMP sequence variant interpretation guidelines (Richards et al. 2015 PMID: 25741868, with internal and published modifications).

NM_004318.4(ASPH):c.1020T>C (p.Thr340=)

Gene: ASPH (aspartate beta-hydroxylase; minus strand). Cytogenetic location: 8q12.3.
Variant type: single nucleotide variant.
Coding change: c.1020T>C on transcript NM_004318.4 (MANE Select); coding-DNA position 1020, T replaced by C.
Protein change: p.Thr340=; no amino-acid change (threonine 340 retained).
Molecular consequence: synonymous variant.
Genome position (GRCh38, 1-based): chr8:61,583,986, A>G on the plus strand (T>C on the coding strand, the complement: ASPH is on the minus strand). VCF-style: chr8-61583986-A-G. GRCh37 (hg19) VCF-style: chr8-62496545-A-G.
Other names: c.933T>C, p.Thr311= (NM_001164750.2).
Identifiers: ClinVar variation 787621 (VCV000787621.8), dbSNP rs149828220, ClinGen allele CA4761876.